The following is an entry in ClinVar:

ClinVar aggregate classification (germline): Pathogenic (1 of 4 stars; one submission).

Conditions:
Inborn genetic diseases. Identifiers: MedGen C0950123, MeSH D030342.

Submission:

Ambry Genetics
Classification: Pathogenic for Inborn genetic diseases. Last evaluated: 2026-05-01. Review status: criteria provided, single submitter. Criteria: Ambry Variant Classification Scheme 2023. Collection method: clinical testing. Allele origin: germline.
Comment: The c.240_252del13 (p.V81Ifs*37) alteration, located in exon 3 (coding exon 2) of the SIN3A gene, consists of a deletion of 13 nucleotides from position 240 to 252, causing a translational frameshift with a predicted alternate stop codon after 37 amino acids. This variant is expected to result in loss of function by premature protein truncation or nonsense-mediated mRNA decay. This variant was not reported in population-based cohorts in the Genome Aggregation Database (gnomAD). Based on the available evidence, this alteration is classified as pathogenic.

NM_001145358.2(SIN3A):c.240_252del (p.Val81fs)

Gene: SIN3A (SIN3 transcription regulator family member A; minus strand). Cytogenetic location: 15q24.2.
Variant type: Deletion.
Coding change: c.240_252del on transcript NM_001145358.2 (MANE Select); coding-DNA positions 240 to 252, 13 bases deleted (AGTTCATAGCAGC).
Protein change: p.Val81fs; shifts the reading frame from valine 81.
Molecular consequence: frameshift variant.
Genome position (GRCh38, 1-based): chr15:75,422,761-75,422,773, GCTGCTATGAACT deleted on the plus strand (AGTTCATAGCAGC on the coding strand, the reverse complement: SIN3A is on the minus strand); deleting any 13 consecutive bases within chr15:75,422,761-75,422,781 gives the same sequence; the c. name uses the placement nearest the transcript's 3' end. VCF-style (leftmost placement, unchanged base first): chr15-75422760-GGCTGCTATGAACT-G. GRCh37 (hg19) VCF-style: chr15-75715101-GGCTGCTATGAACT-G.
Other names: c.240_252del, p.Val81fs (NM_001145357.2, NM_001437462.1, NM_001437463.1 and 1 more transcripts); short protein forms V81fs.
Identifiers: ClinVar variation 4864518 (VCV004864518.1).
Genomic context (GRCh38, chr15:75,422,760, plus strand): 5'-GATGAGCATGACTCTGGACCACCTGGCCTCCGTGGGGCTGCACCGCTGTTGGGTGATGAT[GGCTGCTATGAACT>G]GCTGCTATAGCGGGCCCATGACTGCCGGAGCTCTGTGGCATGGCTGAAACCTGGGGTGAA-3'